The following is an entry in ClinVar:

ClinVar aggregate classification (germline): Uncertain significance. Review status: criteria provided, multiple submitters, no conflicts (2 of 4 stars). 2 submissions from 2 submitters: Uncertain significance (2). Last evaluated 2025-10-01.

Conditions:
Progressive myoclonic epilepsy type 9. Identifiers: Orphanet 457265, MedGen C4225289, MONDO:0014685, OMIM 616540.
Lipodystrophy, partial, acquired, susceptibility to (APLD). Also called: APLD, SUSCEPTIBILITY TO. Identifiers: MedGen C3887501, MONDO:0100476, OMIM 608709.

Allele frequency attached by ClinVar (database versions not stated): ExAC 0.00004; gnomAD exomes 0.00005; gnomAD 0.00010 and 0.00011; TOPMed 0.00010; ESP Exome Variant Server 0.00015; 1000 Genomes Project 30x 0.00016; 1000 Genomes Project 0.00020.
gnomAD v4.1: 56 of 1,613,500 alleles (0.0035%); highest among the groups gnomAD compares: African/African-American, 0.041%; no homozygotes.

Submissions (2):

Ambry Genetics
Classification: Uncertain significance. Last evaluated: 2025-10-01. Review status: criteria provided, single submitter. Criteria: Ambry Variant Classification Scheme 2023. Collection method: clinical testing. Allele origin: germline.

Labcorp Genetics (formerly Invitae), Labcorp
Classification: Uncertain significance for Progressive myoclonic epilepsy type 9; Lipodystrophy, partial, acquired, susceptibility to. Last evaluated: 2024-06-12. Review status: criteria provided, single submitter. Criteria: Invitae Variant Classification Sherloc (09022015). Collection method: clinical testing. Allele origin: germline.
Comment: This sequence change replaces threonine, which is neutral and polar, with methionine, which is neutral and non-polar, at codon 110 of the LMNB2 protein (p.Thr110Met). This variant is present in population databases (rs371789042, gnomAD 0.04%). This variant has not been reported in the literature in individuals affected with LMNB2-related conditions. ClinVar contains an entry for this variant (Variation ID: 1040812). Advanced modeling of protein sequence and biophysical properties (such as structural, functional, and spatial information, amino acid conservation, physicochemical variation, residue mobility, and thermodynamic stability) has been performed at Invitae for this missense variant, however the output from this modeling did not meet the statistical confidence thresholds required to predict the impact of this variant on LMNB2 protein function. In summary, the available evidence is currently insufficient to determine the role of this variant in disease. Therefore, it has been classified as a Variant of Uncertain Significance.

NM_032737.4(LMNB2):c.329C>T (p.Thr110Met)

Gene: LMNB2 (lamin B2; minus strand). Cytogenetic location: 19p13.3.
Variant type: single nucleotide variant.
Coding change: c.329C>T on transcript NM_032737.4 (MANE Select); coding-DNA position 329, C replaced by T.
Protein change: p.Thr110Met; replaces threonine 110 with methionine.
Molecular consequence: missense variant.
Genome position (GRCh38, 1-based): chr19:2,444,476, G>A on the plus strand (C>T on the coding strand, the complement: LMNB2 is on the minus strand). VCF-style: chr19-2444476-G-A. GRCh37 (hg19) VCF-style: chr19-2444474-G-A.
Other names: c.269C>T (NM_032737.2); short protein forms T110M.
Identifiers: ClinVar variation 1040812 (VCV001040812.9), dbSNP rs371789042, ClinGen allele CA9067938.